The following is an entry in ClinVar:

NM_001369.3(DNAH5):c.919C>T (p.Pro307Ser)

Gene: DNAH5 (dynein axonemal heavy chain 5; minus strand). Cytogenetic location: 5p15.2.
Variant type: single nucleotide variant.
Coding change: c.919C>T on transcript NM_001369.3 (MANE Select); coding-DNA position 919, C replaced by T.
Protein change: p.Pro307Ser; replaces proline 307 with serine.
Molecular consequence: missense variant.
Genome position (GRCh38, 1-based): chr5:13,919,232, G>A on the plus strand (C>T on the coding strand, the complement: DNAH5 is on the minus strand). VCF-style: chr5-13919232-G-A. GRCh37 (hg19) VCF-style: chr5-13919341-G-A.
Other names: short protein forms P307S.
Identifiers: ClinVar variation 1714629 (VCV001714629.6), dbSNP rs2547144228, ClinGen allele CA359218825.

ClinVar aggregate classification (germline): Uncertain significance (1 of 4 stars; one submission).

Conditions:
Primary ciliary dyskinesia. Also called: Ciliary dyskinesia. Identifiers: Orphanet 244, MedGen C0008780, MONDO:0016575, HP:0012265.

Submission:

Labcorp Genetics (formerly Invitae), Labcorp
Classification: Uncertain significance for Primary ciliary dyskinesia. Last evaluated: 2022-07-31. Review status: criteria provided, single submitter. Criteria: Invitae Variant Classification Sherloc (09022015). Collection method: clinical testing. Allele origin: germline.
Comment: In summary, the available evidence is currently insufficient to determine the role of this variant in disease. Therefore, it has been classified as a Variant of Uncertain Significance. Advanced modeling of protein sequence and biophysical properties (such as structural, functional, and spatial information, amino acid conservation, physicochemical variation, residue mobility, and thermodynamic stability) performed at Invitae indicates that this missense variant is not expected to disrupt DNAH5 protein function. This variant has not been reported in the literature in individuals affected with DNAH5-related conditions. This variant is not present in population databases (gnomAD no frequency). This sequence change replaces proline, which is neutral and non-polar, with serine, which is neutral and polar, at codon 307 of the DNAH5 protein (p.Pro307Ser).